The following is an entry in ClinVar:

NM_002838.5(PTPRC):c.139A>G (p.Ser47Gly)

Gene: PTPRC (protein tyrosine phosphatase receptor type C; plus strand). Cytogenetic location: 1q31.3.
Variant type: single nucleotide variant.
Coding change: c.139A>G on transcript NM_002838.5 (MANE Select); coding-DNA position 139, A replaced by G.
Protein change: p.Ser47Gly; replaces serine 47 with glycine.
Molecular consequence: missense variant. On other transcripts: intron variant (1).
Genome position (GRCh38, 1-based): chr1:198,696,750, A>G. VCF-style: chr1-198696750-A-G. GRCh37 (hg19) VCF-style: chr1-198665879-A-G.
Other names: c.133A>G (NM_002838.3); c.100+4377A>G (NM_080921.4); short protein forms S47G.
Identifiers: ClinVar variation 1037141 (VCV001037141.8), dbSNP rs149488488, ClinGen allele CA1314415.

ClinVar aggregate classification (germline): Conflicting classifications of pathogenicity. Review status: criteria provided, conflicting classifications (1 of 4 stars). 2 submissions from 2 submitters: Uncertain significance (1); Likely benign (1). Last evaluated 2023-08-04.

Conditions:
Inborn genetic diseases. Identifiers: MedGen C0950123, MeSH D030342.
Immunodeficiency 104. Also called: SCID, AUTOSOMAL RECESSIVE, T CELL-NEGATIVE, B CELL-POSITIVE, NK CELL-POSITIVE; Severe combined immunodeficiency, autosomal recessive, T cell-negative, B cell-positive, NK cell-positive; Severe Combined Immune Deficiency, Autosomal Recessive, TCell -Negative, B Cell-Positive, NK Cell-Positive, IL7R-Related; IMMUNODEFICIENCY 104, SEVERE COMBINED. Identifiers: MedGen C5676890, MONDO:0012163, OMIM 608971.

Allele frequency attached by ClinVar (database versions not stated): gnomAD 0.00001; ExAC 0.00002; gnomAD exomes 0.00002 and 0.00006; TOPMed 0.00003; ESP Exome Variant Server 0.00008.
gnomAD v4.1: 90 of 1,614,010 alleles (0.0056%); highest among the groups gnomAD compares: Non-Finnish European, 0.0073%; no homozygotes.

Submissions (2):

Ambry Genetics
Classification: Likely benign for Inborn genetic diseases. Last evaluated: 2023-08-04. Review status: criteria provided, single submitter. Criteria: Ambry Variant Classification Scheme 2023. Collection method: clinical testing. Allele origin: germline.

Labcorp Genetics (formerly Invitae), Labcorp
Classification: Uncertain significance for Immunodeficiency 104. Last evaluated: 2022-09-19. Review status: criteria provided, single submitter. Criteria: Invitae Variant Classification Sherloc (09022015). Collection method: clinical testing. Allele origin: germline.
Comment: This sequence change replaces serine, which is neutral and polar, with glycine, which is neutral and non-polar, at codon 47 of the PTPRC protein (p.Ser47Gly). This variant is present in population databases (rs149488488, gnomAD 0.004%). This variant has not been reported in the literature in individuals affected with PTPRC-related conditions. ClinVar contains an entry for this variant (Variation ID: 1037141). Algorithms developed to predict the effect of missense changes on protein structure and function output the following: SIFT: "Tolerated"; PolyPhen-2: "Benign"; Align-GVGD: "Class C0". The glycine amino acid residue is found in multiple mammalian species, which suggests that this missense change does not adversely affect protein function. Algorithms developed to predict the effect of sequence changes on RNA splicing suggest that this variant may create or strengthen a splice site. In summary, the available evidence is currently insufficient to determine the role of this variant in disease. Therefore, it has been classified as a Variant of Uncertain Significance.